The following is an entry in ClinVar:

ClinVar aggregate classification (germline): Uncertain significance (1 of 4 stars; one submission).

Submission:

Dasa
Classification: Uncertain significance. Last evaluated: 2025-09-30. Review status: criteria provided, single submitter. Criteria: DASA Assertion Criteria. Collection method: clinical testing. Allele origin: germline.
Comment: NM_001146283.2(TCF7L2):c.531C>A (p.Tyr177*) is a nonsense variant in TCF7L2 predicted to introduce a premature termination codon. This variant is absent from population databases. The currently available literature and clinical evidence are not sufficient to establish a definitive association between this variant and the reported condition. Therefore, this variant is classified as a variant of uncertain significance.

NM_001367943.1(TCF7L2):c.552+49321C>A

Gene: TCF7L2 (transcription factor 7 like 2; plus strand). Cytogenetic location: 10q25.2.
Variant type: single nucleotide variant.
Coding change: c.552+49321C>A on transcript NM_001367943.1 (MANE Select); 49321 bases into the intron after coding-DNA position 552, C replaced by A.
Molecular consequence: intron variant. On other transcripts: nonsense (1).
Genome position (GRCh38, 1-based): chr10:113,089,447, C>A. VCF-style: chr10-113089447-C-A. GRCh37 (hg19) VCF-style: chr10-114849206-C-A.
Other names: c.531C>A, p.Tyr177Ter (NM_001146283.2); c.552+49321C>A (NM_001363501.2, NM_001146274.2, NM_001198531.2); c.483+49321C>A (NM_001198525.2, NM_001198528.2, NM_030756.5 and 6 more transcripts); c.382-51737C>A (NM_001198530.2); short protein forms Y177*.
Identifiers: ClinVar variation 4856883 (VCV004856883.2).